The following is an entry in ClinVar:

ClinVar aggregate classification (germline): Likely benign. Review status: criteria provided, multiple submitters, no conflicts (2 of 4 stars). 2 submissions from 2 submitters: Likely benign (2). Last evaluated 2019-05-20.

Conditions:
Cardiovascular phenotype. Identifiers: MedGen CN230736.

Allele frequency attached by ClinVar (database versions not stated): gnomAD exomes below 0.00001; ExAC 0.00001; gnomAD 0.00001.
gnomAD v4.1: 6 of 1,613,380 alleles (0.00037%); highest among the groups gnomAD compares: African/African-American, 0.004%; no homozygotes.

Submissions (2):

Ambry Genetics
Classification: Likely benign for Cardiovascular phenotype. Last evaluated: 2019-05-20. Review status: criteria provided, single submitter. Criteria: Ambry Variant Classification Scheme 2023. Collection method: clinical testing. Allele origin: germline.

GeneDx
Classification: Likely benign. Last evaluated: 2017-08-18. Review status: criteria provided, single submitter. Criteria: GeneDx Variant Classification (06012015). Collection method: clinical testing. Allele origin: germline. Affected: yes.
Comment: This variant is considered likely benign or benign based on one or more of the following criteria: it is a conservative change, it occurs at a poorly conserved position in the protein, it is predicted to be benign by multiple in silico algorithms, and/or has population frequency not consistent with disease.

NM_001105206.3(LAMA4):c.3561C>T (p.Ala1187=)

Gene: LAMA4 (laminin subunit alpha 4; minus strand). Cytogenetic location: 6q21.
Variant type: single nucleotide variant.
Coding change: c.3561C>T on transcript NM_001105206.3 (MANE Select); coding-DNA position 3561, C replaced by T.
Protein change: p.Ala1187=; no amino-acid change (alanine 1187 retained).
Molecular consequence: synonymous variant.
Genome position (GRCh38, 1-based): chr6:112,133,484, G>A on the plus strand (C>T on the coding strand, the complement: LAMA4 is on the minus strand). VCF-style: chr6-112133484-G-A. GRCh37 (hg19) VCF-style: chr6-112454686-G-A.
Other names: c.3540C>T (LRG_433t2); c.3540C>T, p.Ala1180= (NM_001105207.3, NM_002290.5).
Identifiers: ClinVar variation 511499 (VCV000511499.3), dbSNP rs782306969, ClinGen allele CA3965172.